The following is an entry in ClinVar:

ClinVar aggregate classification (germline): Uncertain significance (1 of 4 stars; one submission).

Allele frequency attached by ClinVar (database versions not stated): TOPMed below 0.00001; gnomAD exomes 0.00002.
gnomAD v4.1: 36 of 1,551,550 alleles (0.0023%); highest among the groups gnomAD compares: South Asian, 0.0036%; no homozygotes.

Submission:

Labcorp Genetics (formerly Invitae), Labcorp
Classification: Uncertain significance. Last evaluated: 2022-09-27. Review status: criteria provided, single submitter. Criteria: Invitae Variant Classification Sherloc (09022015). Collection method: clinical testing. Allele origin: germline.
Comment: This sequence change replaces threonine with methionine at codon 2945 of the UNC80 protein (p.Thr2945Met). The threonine residue is weakly conserved and there is a moderate physicochemical difference between threonine and methionine. The frequency data for this variant in the population databases is considered unreliable, as metrics indicate poor data quality at this position in the gnomAD database. This variant has not been reported in the literature in individuals affected with UNC80-related conditions. ClinVar contains an entry for this variant (Variation ID: 1485793). Advanced modeling of protein sequence and biophysical properties (such as structural, functional, and spatial information, amino acid conservation, physicochemical variation, residue mobility, and thermodynamic stability) performed at Invitae indicates that this missense variant is not expected to disrupt UNC80 protein function. In summary, the available evidence is currently insufficient to determine the role of this variant in disease. Therefore, it has been classified as a Variant of Uncertain Significance.

NM_001371986.1(UNC80):c.9032C>T (p.Thr3011Met)

Gene: UNC80 (unc-80 homolog, NALCN channel complex subunit; plus strand). Cytogenetic location: 2q34.
Variant type: single nucleotide variant.
Coding change: c.9032C>T on transcript NM_001371986.1 (MANE Select); coding-DNA position 9032, C replaced by T.
Protein change: p.Thr3011Met; replaces threonine 3011 with methionine.
Molecular consequence: missense variant.
Genome position (GRCh38, 1-based): chr2:209,978,622, C>T. VCF-style: chr2-209978622-C-T. GRCh37 (hg19) VCF-style: chr2-210843346-C-T.
Other names: c.8834C>T, p.Thr2945Met (NM_032504.2); c.8819C>T, p.Thr2940Met (NM_182587.4); short protein forms T3011M, T2940M, T2945M.
Identifiers: ClinVar variation 1485793 (VCV001485793.3), dbSNP rs1475238797, ClinGen allele CA350414572.
Genomic context (GRCh38, chr2:209,978,622, plus strand): 5'-GCACCTCCACCTCTGCTTACCGCCTGAGCTTGGCCACCATGTCCCGCTCTAACACGGGCA[C>T]GGGCACTGTCTGGGAGCAGGACAGTGAGCCATCCCAGCAGGCTTCGCAGGACACCCTGAG-3'
Protein context (NP_001358915.1, residues 3001-3021): LATMSRSNTG[Thr3011Met]GTVWEQDSEP